The following is an entry in ClinVar:

NM_005392.4(PHF2):c.372C>T (p.Thr124=)

Gene: PHF2 (PHD finger protein 2; plus strand). Cytogenetic location: 9q22.31.
Variant type: single nucleotide variant.
Coding change: c.372C>T on transcript NM_005392.4 (MANE Select); coding-DNA position 372, C replaced by T.
Protein change: p.Thr124=; no amino-acid change (threonine 124 retained).
Molecular consequence: synonymous variant.
Genome position (GRCh38, 1-based): chr9:93,645,701, C>T. VCF-style: chr9-93645701-C-T. GRCh37 (hg19) VCF-style: chr9-96407983-C-T.
Identifiers: ClinVar variation 1262733 (VCV001262733.5), dbSNP rs9695734, ClinGen allele CA5132377.

ClinVar aggregate classification (germline): Benign. Review status: criteria provided, multiple submitters, no conflicts (2 of 4 stars). 3 submissions from 3 submitters: Benign (2). 1 of the submissions does not count toward it. Last evaluated 2019-06-13.

Conditions:
PHF2-related disorder. Also called: PHF2-related condition.

Allele frequency attached by ClinVar (database versions not stated): 1000 Genomes Project 0.10583; 1000 Genomes Project 30x 0.10681; gnomAD exomes 0.13103 and 0.16273; ExAC 0.13162; TOPMed 0.14046; gnomAD 0.14100 and 0.14188; ESP Exome Variant Server 0.15639.
gnomAD v4.1: 259,008 of 1,612,274 alleles (16%); highest among the groups gnomAD compares: Non-Finnish European, 18%; 21,884 homozygotes.

Submissions (3):

GeneDx
Classification: Benign. Last evaluated: 2019-06-13. Review status: criteria provided, single submitter. Criteria: GeneDx Variant Classification Process June 2021. Collection method: clinical testing. Allele origin: germline. Affected: yes.

Breakthrough Genomics
Classification: Benign. Review status: criteria provided, single submitter. Criteria: ACMG Guidelines, 2015. Collection method: not provided. Allele origin: germline. Inheritance: Unknown mechanism. Affected: yes.

PreventionGenetics, part of Exact Sciences
Classification: Benign for PHF2-related condition. Last evaluated: 2019-11-12. Review status: no assertion criteria provided. Collection method: clinical testing. Allele origin: germline. Not counted in ClinVar's aggregate classification.
Comment: This variant is classified as benign based on ACMG/AMP sequence variant interpretation guidelines (Richards et al. 2015 PMID: 25741868, with internal and published modifications).